The following is an entry in ClinVar:

NM_021871.4(FGA):c.341G>A (p.Arg114Lys)

Gene: FGA (fibrinogen alpha chain; minus strand). Cytogenetic location: 4q31.3.
Variant type: single nucleotide variant.
Coding change: c.341G>A on transcript NM_021871.4 (MANE Select); coding-DNA position 341, G replaced by A.
Protein change: p.Arg114Lys; replaces arginine 114 with lysine.
Molecular consequence: missense variant.
Genome position (GRCh38, 1-based): chr4:154,588,816, C>T on the plus strand (G>A on the coding strand, the complement: FGA is on the minus strand). VCF-style: chr4-154588816-C-T. GRCh37 (hg19) VCF-style: chr4-155509968-C-T.
Other names: c.341G>A (NM_000508.4); c.341G>A, p.Arg114Lys (NM_000508.5); short protein forms R114K.
Identifiers: ClinVar variation 1804824 (VCV001804824.3), dbSNP rs750694816, ClinGen allele CA108762932.

ClinVar aggregate classification (germline): Uncertain significance. Review status: criteria provided, multiple submitters, no conflicts (2 of 4 stars). 2 submissions from 2 submitters: Uncertain significance (2). Last evaluated 2026-01-29.

Conditions:
FGA-related disorder. Also called: FGA-related disorders; FGA-related condition.

Allele frequency attached by ClinVar (database versions not stated): gnomAD 0.00001; TOPMed 0.00006.

Submissions (2):

PreventionGenetics, part of Exact Sciences
Classification: Uncertain significance for FGA-related condition. Last evaluated: 2026-01-29. Review status: criteria provided, single submitter. Criteria: ACMG Guidelines, 2015. Collection method: clinical testing. Allele origin: germline.
Comment: The FGA c.341G>A variant is predicted to result in the amino acid substitution p.Arg114Lys. This variant has been reported in individuals with fibrinogen deficiency (Moret et al. 2019. PubMed ID: 31295712; Table ST3.4, Stefanucci et al. 2023. PubMed ID: 37647632). This variant is reported in 0.0028% of alleles in individuals of Latino descent in gnomAD. At this time, the clinical significance of this variant is uncertain due to the absence of conclusive functional and genetic evidence.

Women's Health and Genetics/Laboratory Corporation of America, LabCorp
Classification: Uncertain significance. Last evaluated: 2025-06-16. Review status: criteria provided, single submitter. Criteria: LabCorp Variant Classification Summary - May 2015. Collection method: clinical testing. Allele origin: germline.
Comment: Variant summary: FGA c.341G>A (p.Arg114Lys) results in a conservative amino acid change in the encoded protein sequence. Algorithms developed to predict the effect of missense changes on protein structure and function all suggest that this variant is likely to be tolerated. The variant allele was found at a frequency of 4e-06 in 250782 control chromosomes. The available data on variant occurrences in the general population are insufficient to allow any conclusion about variant significance. c.341G>A has been observed in individual(s) affected with Dysfibrinogenemia (Moret_2019, Stefanucci_2023). These report(s) do not provide unequivocal conclusions about association of the variant with Dysfibrinogenemia, Congenital . To our knowledge, no experimental evidence demonstrating an impact on protein function has been reported. The following publications have been ascertained in the context of this evaluation (PMID: 31295712, 37647632). ClinVar contains an entry for this variant (Variation ID: 1804824). Based on the evidence outlined above, the variant was classified as uncertain significance.

Literature cited by the submitters: PubMed 31295712 (cited by Women's Health and Genetics/Laboratory Corporation of America, LabCorp); PubMed 37647632 (cited by Women's Health and Genetics/Laboratory Corporation of America, LabCorp).